The following is an entry in ClinVar:

NM_016203.4(PRKAG2):c.875C>G (p.Ala292Gly)

Gene: PRKAG2 (protein kinase AMP-activated non-catalytic subunit gamma 2; minus strand). Cytogenetic location: 7q36.1.
Variant type: single nucleotide variant.
Coding change: c.875C>G on transcript NM_016203.4 (MANE Select); coding-DNA position 875, C replaced by G.
Protein change: p.Ala292Gly; replaces alanine 292 with glycine.
Molecular consequence: missense variant.
Genome position (GRCh38, 1-based): chr7:151,576,442, G>C on the plus strand (C>G on the coding strand, the complement: PRKAG2 is on the minus strand). VCF-style: chr7-151576442-G-C. GRCh37 (hg19) VCF-style: chr7-151273528-G-C.
Other names: c.872C>G, p.Ala291Gly (NM_001407022.1, NM_001407023.1); c.743C>G, p.Ala248Gly (NM_001407024.1, NM_001040633.2); c.740C>G, p.Ala247Gly (NM_001407026.1, NM_001407027.1); c.503C>G, p.Ala168Gly (NM_001407028.1, NM_001363698.2); c.500C>G, p.Ala167Gly (NM_001407029.1, NM_001304527.2); c.587C>G, p.Ala196Gly (NM_001407030.1); c.584C>G, p.Ala195Gly (NM_001407031.1); c.152C>G, p.Ala51Gly (NM_024429.2, NM_001304531.2, NM_001407034.1 and 1 more transcripts); and 6 more; short protein forms A167G, A168G, A184G, A186G, A195G, A196G, A247G, A248G.
Identifiers: ClinVar variation 3070594 (VCV003070594.1), dbSNP rs989868638, ClinGen allele CA370072510.

ClinVar aggregate classification (germline): Uncertain significance (1 of 4 stars; one submission).

Conditions:
Hypertrophic cardiomyopathy. Also called: HYPERTROPHIC MYOCARDIOPATHY. Identifiers: Orphanet 217569, MedGen C0007194, MeSH D002312, MONDO:0005045, HP:0001639.

Submission:

All of Us Research Program, National Institutes of Health
Classification: Uncertain significance for Hypertrophic cardiomyopathy. Last evaluated: 2023-04-27. Review status: criteria provided, single submitter. Criteria: ACMG Guidelines, 2015. Collection method: clinical testing. Allele origin: germline. Inheritance: Autosomal dominant inheritance. Observed: 1 variant allele, 1 heterozygote.
Comment: This study involves interpretation of variants in research participants for the purpose of population health screening. Participant phenotype was not available at the time of variant classification. Additional details can be found in publication PMID: 35346344, PMCID: PMC8962531